The following is an entry in ClinVar:

ClinVar aggregate classification (germline): Conflicting classifications of pathogenicity. Review status: criteria provided, conflicting classifications (1 of 4 stars). 3 submissions from 3 submitters: Pathogenic (1); Uncertain significance (1). 1 of the submissions does not count toward it. Last evaluated 2022-12-23.

Conditions:
Severe myoclonic epilepsy in infancy (DRVT). Also called: SEVERE MYOCLONIC EPILEPSY OF INFANCY; DEVELOPMENTAL AND EPILEPTIC ENCEPHALOPATHY 6A; Severe Myoclonic Epilepsy in Infancy (SMEI); Dravet syndrome; Epileptic encephalopathy, early infantile, 6 (Dravet syndrome). Identifiers: Orphanet 33069, MedGen C0751122, MONDO:0100135, OMIM 607208.

Submissions (3):

Revvity Omics, Revvity
Classification: Uncertain significance. Last evaluated: 2022-12-23. Review status: criteria provided, single submitter. Criteria: ACMG Guidelines, 2015. Collection method: clinical testing. Allele origin: germline.

Center for Bioinformatics, Peking University
Classification: Pathogenic for Dravet syndrome. Last evaluated: 2014-12-20. Review status: criteria provided, single submitter. Criteria: Xu et al. (Hum Mutat. 2015). Collection method: research. Allele origin: de novo. Affected: yes. Observed: 1 variant allele. Study: University Clinical Cooperation “985 Project” PKU-2014-1-1.
Comment: Dravet syndrome (DS) probands were recruited from the outpatient and inpatient child neurology units of Peking University First Hospital from 2005 till present. The study was approved by the Ethics Committee of Peking University First Hospital and the Institutional Review Board at Peking University. Participants or their parents provided written informed consent before enrollment. We collected a total of 267 mutations from 255 families with probands diagnosed with DS in China. All probands fulfilled the clinical diagnostic criteria.

UniProtKB/Swiss-Prot
No classification provided. Condition: Severe myoclonic epilepsy in infancy. Review status: no classification provided. Collection method: not provided. Allele origin: germline. Not counted in ClinVar's aggregate classification.

NM_001165963.4(SCN1A):c.3778A>C (p.Thr1260Pro)

Genes: SCN1A (sodium voltage-gated channel alpha subunit 1; minus strand), LOC102724058 (uncharacterized LOC102724058; plus strand). Cytogenetic location: 2q24.3.
Variant type: single nucleotide variant.
Coding change: c.3778A>C on transcript NM_001165963.4 (MANE Select); coding-DNA position 3778, A replaced by C.
Protein change: p.Thr1260Pro; replaces threonine 1260 with proline.
Molecular consequence: missense variant. On other transcripts: non-coding transcript variant (1).
Genome position (GRCh38, 1-based): chr2:166,012,210, T>G on the plus strand (A>C on the coding strand, the complement: SCN1A is on the minus strand). VCF-style: chr2-166012210-T-G. GRCh37 (hg19) VCF-style: chr2-166868720-T-G.
Other names: c.3778A>C (NM_001165963.3); c.3694A>C, p.Thr1232Pro (NM_001165964.3, NM_001353957.2, NM_001353958.2); c.3778A>C, p.Thr1260Pro (NM_001202435.3, NM_001353948.2); c.3745A>C, p.Thr1249Pro (NM_001353949.2, NM_001353950.2, NM_001353951.2 and 2 more transcripts); c.3742A>C, p.Thr1248Pro (NM_001353954.2, NM_001353955.2); c.3691A>C, p.Thr1231Pro (NM_001353960.2); c.1336A>C, p.Thr446Pro (NM_001353961.2); short protein forms T1249P, T1260P, T1248P, T1231P, T1232P, T446P.
Identifiers: ClinVar variation 68621 (VCV000068621.4), dbSNP rs121918739, ClinGen allele CA285141.